The following is an entry in ClinVar:

ClinVar aggregate classification (germline): Uncertain significance (1 of 4 stars; one submission).

Submission:

Labcorp Genetics (formerly Invitae), Labcorp
Classification: Uncertain significance. Last evaluated: 2023-07-03. Review status: criteria provided, single submitter. Criteria: Invitae Variant Classification Sherloc (09022015). Collection method: clinical testing. Allele origin: germline.
Comment: This sequence change replaces alanine, which is neutral and non-polar, with serine, which is neutral and polar, at codon 454 of the PPP3CA protein (p.Ala454Ser). This variant is not present in population databases (gnomAD no frequency). This variant has not been reported in the literature in individuals affected with PPP3CA-related conditions. An algorithm developed to predict the effect of missense changes on protein structure and function (PolyPhen-2) suggests that this variant is likely to be tolerated. In summary, the available evidence is currently insufficient to determine the role of this variant in disease. Therefore, it has been classified as a Variant of Uncertain Significance.

NM_000944.5(PPP3CA):c.1360G>T (p.Ala454Ser)

Gene: PPP3CA (protein phosphatase 3 catalytic subunit alpha; minus strand). Cytogenetic location: 4q24.
Variant type: single nucleotide variant.
Coding change: c.1360G>T on transcript NM_000944.5 (MANE Select); coding-DNA position 1360, G replaced by T.
Protein change: p.Ala454Ser; replaces alanine 454 with serine.
Molecular consequence: missense variant. On other transcripts: intron variant (2).
Genome position (GRCh38, 1-based): chr4:101,029,175, C>A on the plus strand (G>T on the coding strand, the complement: PPP3CA is on the minus strand). VCF-style: chr4-101029175-C-A. GRCh37 (hg19) VCF-style: chr4-101950332-C-A.
Other names: c.1213+3092G>T (NM_001130692.2); c.1339+3092G>T (NM_001130691.2); short protein forms A454S.
Identifiers: ClinVar variation 2735440 (VCV002735440.3), dbSNP rs2476203120, ClinGen allele CA357947889.